The following is an entry in ClinVar:

ClinVar aggregate classification (germline): Uncertain significance. Review status: criteria provided, multiple submitters, no conflicts (2 of 4 stars). 3 submissions from 3 submitters: Uncertain significance (3). Last evaluated 2025-11-16.

Conditions:
Catecholaminergic polymorphic ventricular tachycardia (CVPT). Also called: Catecholamine-induced polymorphic ventricular tachycardia. Identifiers: Orphanet 3286, MedGen C5574922, MONDO:0017990.
Cardiomyopathy (CMYO). Also called: Cardiomyopathies. Identifiers: Orphanet 167848, MedGen C0878544, MONDO:0004994, HP:0001638. Inheritance: Various modes of inheritance.
Catecholaminergic polymorphic ventricular tachycardia 1. Also called: RYR2-Related Catecholaminergic Polymorphic Ventricular Tachycardia; VENTRICULAR TACHYCARDIA, CATECHOLAMINERGIC POLYMORPHIC, 1, WITH OR WITHOUT ATRIAL DYSFUNCTION AND/OR DILATED CARDIOMYOPATHY; VENTRICULAR TACHYCARDIA, STRESS-INDUCED POLYMORPHIC 1. Identifiers: Orphanet 3286, MedGen C1631597, MONDO:0011484, OMIM 604772.

Allele frequency attached by ClinVar (database versions not stated): gnomAD exomes below 0.00001; TOPMed below 0.00001; gnomAD 0.00001.
gnomAD v4.1: 4 of 1,552,004 alleles (0.00026%); highest among the groups gnomAD compares: Non-Finnish European, 0.00035%; no homozygotes.

Submissions (3):

Labcorp Genetics (formerly Invitae), Labcorp
Classification: Uncertain significance for Catecholaminergic polymorphic ventricular tachycardia 1. Last evaluated: 2025-11-16. Review status: criteria provided, single submitter. Criteria: Invitae Variant Classification Sherloc (09022015). Collection method: clinical testing. Allele origin: germline.
Comment: This sequence change replaces valine, which is neutral and non-polar, with isoleucine, which is neutral and non-polar, at codon 3829 of the RYR2 protein (p.Val3829Ile). This variant is present in population databases (no rsID available, gnomAD 0.007%). This variant has not been reported in the literature in individuals affected with RYR2-related conditions. ClinVar contains an entry for this variant (Variation ID: 657801). Invitae Evidence Modeling of protein sequence and biophysical properties (such as structural, functional, and spatial information, amino acid conservation, physicochemical variation, residue mobility, and thermodynamic stability) has been performed for this missense variant. However, the output from this modeling did not meet the statistical confidence thresholds required to predict the impact of this variant on RYR2 protein function. In summary, the available evidence is currently insufficient to determine the role of this variant in disease. Therefore, it has been classified as a Variant of Uncertain Significance.

All of Us Research Program, National Institutes of Health
Classification: Uncertain significance for Catecholaminergic polymorphic ventricular tachycardia. Last evaluated: 2024-07-20. Review status: criteria provided, single submitter. Criteria: ACMG Guidelines, 2015. Collection method: clinical testing. Allele origin: germline. Inheritance: Autosomal dominant inheritance. Observed: 6 variant alleles, 6 heterozygotes.
Comment: This missense variant replaces valine with isoleucine at codon 3829 of the RYR2 protein. Computational prediction is inconclusive regarding the impact of this variant on protein structure and function (internally defined REVEL score threshold 0.5 < inconclusive < 0.7, PMID: 27666373). To our knowledge, functional studies have not been reported for this variant. This variant has not been reported in individuals affected with cardiovascular disorders in the literature. This variant has been identified in 1/31388 chromosomes in the general population by the Genome Aggregation Database (gnomAD). The available evidence is insufficient to determine the role of this variant in disease conclusively. Therefore, this variant is classified as a Variant of Uncertain Significance.

This study involves interpretation of variants in research participants for the purpose of population health screening. Participant phenotype was not available at the time of variant classification. Additional details can be found in publication PMID: 35346344, PMCID: PMC8962531

Color Diagnostics, LLC DBA Color Health
Classification: Uncertain significance for Cardiomyopathy. Last evaluated: 2024-03-06. Review status: criteria provided, single submitter. Criteria: ACMG Guidelines, 2015. Collection method: clinical testing. Allele origin: germline.
Comment: This missense variant replaces valine with isoleucine at codon 3829 of the RYR2 protein. Computational prediction is inconclusive regarding the impact of this variant on protein structure and function (internally defined REVEL score threshold 0.5 < inconclusive < 0.7, PMID: 27666373). To our knowledge, functional studies have not been reported for this variant. This variant has not been reported in individuals affected with RYR2-related disorders in the literature. This variant has been identified in 1/31388 chromosomes in the general population by the Genome Aggregation Database (gnomAD). The available evidence is insufficient to determine the role of this variant in disease conclusively. Therefore, this variant is classified as a Variant of Uncertain Significance.

NM_001035.3(RYR2):c.11485G>A (p.Val3829Ile)

Gene: RYR2 (ryanodine receptor 2; plus strand). Cytogenetic location: 1q43.
Variant type: single nucleotide variant.
Coding change: c.11485G>A on transcript NM_001035.3 (MANE Select); coding-DNA position 11485, G replaced by A.
Protein change: p.Val3829Ile; replaces valine 3829 with isoleucine.
Molecular consequence: missense variant.
Genome position (GRCh38, 1-based): chr1:237,770,815, G>A. VCF-style: chr1-237770815-G-A. GRCh37 (hg19) VCF-style: chr1-237934115-G-A.
Other names: c.11485G>A, p.Val3829Ile (LRG_402t1); short protein forms V3829I.
Identifiers: ClinVar variation 657801 (VCV000657801.14), dbSNP rs886524806, ClinGen allele CA39815822.